The following is an entry in ClinVar:

ClinVar aggregate classification (germline): Uncertain significance (1 of 4 stars; one submission).

Allele frequency attached by ClinVar (database versions not stated): TOPMed 0.00002; gnomAD 0.00003; ExAC 0.00007.
gnomAD v4.1: 55 of 1,573,998 alleles (0.0035%); highest among the groups gnomAD compares: Middle Eastern, 0.034%; no homozygotes.

Submission:

Labcorp Genetics (formerly Invitae), Labcorp
Classification: Uncertain significance. Last evaluated: 2022-08-15. Review status: criteria provided, single submitter. Criteria: Invitae Variant Classification Sherloc (09022015). Collection method: clinical testing. Allele origin: germline.
Comment: This sequence change replaces methionine, which is neutral and non-polar, with valine, which is neutral and non-polar, at codon 2718 of the FRAS1 protein (p.Met2718Val). This variant is present in population databases (rs754424180, gnomAD 0.009%). This variant has not been reported in the literature in individuals affected with FRAS1-related conditions. Algorithms developed to predict the effect of missense changes on protein structure and function (SIFT, PolyPhen-2, Align-GVGD) all suggest that this variant is likely to be tolerated. In summary, the available evidence is currently insufficient to determine the role of this variant in disease. Therefore, it has been classified as a Variant of Uncertain Significance.

NM_025074.7(FRAS1):c.8152A>G (p.Met2718Val)

Gene: FRAS1 (Fraser extracellular matrix complex subunit 1; plus strand). Cytogenetic location: 4q21.21.
Variant type: single nucleotide variant.
Coding change: c.8152A>G on transcript NM_025074.7 (MANE Select); coding-DNA position 8152, A replaced by G.
Protein change: p.Met2718Val; replaces methionine 2718 with valine.
Molecular consequence: missense variant.
Genome position (GRCh38, 1-based): chr4:78,479,427, A>G. VCF-style: chr4-78479427-A-G. GRCh37 (hg19) VCF-style: chr4-79400581-A-G.
Other names: short protein forms M2718V.
Identifiers: ClinVar variation 2184279 (VCV002184279.1), dbSNP rs754424180, ClinGen allele CA2978298.